The following is an entry in ClinVar:

ClinVar aggregate classification (germline): Uncertain significance (1 of 4 stars; one submission).

Conditions:
Cardiovascular phenotype. Identifiers: MedGen CN230736.

Allele frequency attached by ClinVar (database versions not stated): gnomAD exomes below 0.00001; ExAC 0.00001.
gnomAD v4.1: 2 of 1,609,786 alleles (0.00012%); highest among the groups gnomAD compares: East Asian, 0.0022%; no homozygotes.

Submission:

Ambry Genetics
Classification: Uncertain significance for Cardiovascular phenotype. Last evaluated: 2022-04-25. Review status: criteria provided, single submitter. Criteria: Ambry Variant Classification Scheme 2023. Collection method: clinical testing. Allele origin: germline.
Comment: The p.S463F variant (also known as c.1388C>T), located in coding exon 11 of the JAG1 gene, results from a C to T substitution at nucleotide position 1388. The serine at codon 463 is replaced by phenylalanine, an amino acid with highly dissimilar properties. This amino acid position is conserved. In addition, the in silico prediction for this alteration is inconclusive. Since supporting evidence is limited at this time, the clinical significance of this alteration remains unclear.

NM_000214.3(JAG1):c.1388C>T (p.Ser463Phe)

Gene: JAG1 (jagged canonical Notch ligand 1; minus strand). Cytogenetic location: 20p12.2.
Variant type: single nucleotide variant.
Coding change: c.1388C>T on transcript NM_000214.3 (MANE Select); coding-DNA position 1388, C replaced by T.
Protein change: p.Ser463Phe; replaces serine 463 with phenylalanine.
Molecular consequence: missense variant.
Genome position (GRCh38, 1-based): chr20:10,649,068, G>A on the plus strand (C>T on the coding strand, the complement: JAG1 is on the minus strand). VCF-style: chr20-10649068-G-A. GRCh37 (hg19) VCF-style: chr20-10629716-G-A.
Other names: short protein forms S463F.
Identifiers: ClinVar variation 1771456 (VCV001771456.2), dbSNP rs776332337, ClinGen allele CA9764885.